The following is an entry in ClinVar:

ClinVar aggregate classification (germline): Likely benign (0 of 4 stars; one submission).

Conditions:
KSR2-related disorder. Also called: KSR2-related condition.

gnomAD v4.1: 2 of 1,564,060 alleles (0.00013%); highest among the groups gnomAD compares: Admixed American, 0.0019%; no homozygotes.

Submission:

PreventionGenetics, part of Exact Sciences
Classification: Likely benign for KSR2-related condition. Last evaluated: 2021-03-19. Review status: no assertion criteria provided. Collection method: clinical testing. Allele origin: germline.
Comment: This variant is classified as likely benign based on ACMG/AMP sequence variant interpretation guidelines (Richards et al. 2015 PMID: 25741868, with internal and published modifications).

NM_173598.6(KSR2):c.783G>A (p.Pro261=)

Gene: KSR2 (kinase suppressor of ras 2; minus strand). Cytogenetic location: 12q24.23.
Variant type: single nucleotide variant.
Coding change: c.783G>A on transcript NM_173598.6 (MANE Select); coding-DNA position 783, G replaced by A.
Protein change: p.Pro261=; no amino-acid change (proline 261 retained).
Molecular consequence: synonymous variant.
Genome position (GRCh38, 1-based): chr12:117,761,214, C>T on the plus strand (G>A on the coding strand, the complement: KSR2 is on the minus strand). VCF-style: chr12-117761214-C-T. GRCh37 (hg19) VCF-style: chr12-118199019-C-T.
Identifiers: ClinVar variation 3358679 (VCV003358679.1).